The following is an entry in ClinVar:

ClinVar aggregate classification (germline): Uncertain significance (1 of 4 stars; one submission).

Conditions:
Inborn genetic diseases. Identifiers: MedGen C0950123, MeSH D030342.

Submission:

Ambry Genetics
Classification: Uncertain significance for Inborn genetic diseases. Last evaluated: 2025-04-21. Review status: criteria provided, single submitter. Criteria: Ambry Variant Classification Scheme 2023. Collection method: clinical testing. Allele origin: germline.
Comment: The p.R207G variant (also known as c.619C>G), located in coding exon 5 of the MECOM gene, results from a C to G substitution at nucleotide position 619. The arginine at codon 207 is replaced by glycine, an amino acid with dissimilar properties. This amino acid position is conserved. In addition, the in silico prediction for this alteration is inconclusive. Based on the available evidence, the clinical significance of this variant remains unclear.

NM_004991.4(MECOM):c.619C>G (p.Arg207Gly)

Gene: MECOM (MDS1 and EVI1 complex locus; minus strand). Cytogenetic location: 3q26.2.
Variant type: single nucleotide variant.
Coding change: c.619C>G on transcript NM_004991.4 (MANE Select); coding-DNA position 619, C replaced by G.
Protein change: p.Arg207Gly; replaces arginine 207 with glycine.
Molecular consequence: missense variant.
Genome position (GRCh38, 1-based): chr3:169,128,055, G>C on the plus strand (C>G on the coding strand, the complement: MECOM is on the minus strand). VCF-style: chr3-169128055-G-C. GRCh37 (hg19) VCF-style: chr3-168845843-G-C.
Other names: c.247C>G, p.Arg83Gly (NM_001105077.4); c.55C>G, p.Arg19Gly (NM_001105078.4, NM_001163999.2, NM_001164000.2 and 9 more transcripts); c.619C>G, p.Arg207Gly (NM_001366466.2, NM_001366473.2); short protein forms R19G, R83G, R207G.
Identifiers: ClinVar variation 4053214 (VCV004053214.1).
Genomic context (GRCh38, chr3:169,128,055, plus strand): 5'-GATCTGCTAGTTCAGCCTTAGATTCAAAGAGCTGGTCACAGTCTTCGCAGCGATATTGCC[G>C]TTCTTCTGTGAAAACAATTCAGGTGTTAGGATTGGGTGGTCAGGAATTGCCATCACAAAC-3'
Protein context (NP_004982.2, residues 197-217): ETMAPDIHEE[Arg207Gly]QYRCEDCDQL